The following is an entry in ClinVar:

ClinVar aggregate classification (germline): Uncertain significance (1 of 4 stars; one submission).

Submission:

GeneDx
Classification: Uncertain significance. Last evaluated: 2023-02-08. Review status: criteria provided, single submitter. Criteria: GeneDx Variant Classification Process June 2021. Collection method: clinical testing. Allele origin: germline. Affected: yes.
Comment: Not observed at significant frequency in large population cohorts (gnomAD); In silico analysis supports that this missense variant does not alter protein structure/function; Has not been previously published as pathogenic or benign to our knowledge

NM_001348323.3(TRIP12):c.5410C>A (p.Gln1804Lys)

Gene: TRIP12 (thyroid hormone receptor interactor 12; minus strand). Cytogenetic location: 2q36.3.
Variant type: single nucleotide variant.
Coding change: c.5410C>A on transcript NM_001348323.3 (MANE Select); coding-DNA position 5410, C replaced by A.
Protein change: p.Gln1804Lys; replaces glutamine 1804 with lysine.
Molecular consequence: missense variant.
Genome position (GRCh38, 1-based): chr2:229,777,434, G>T on the plus strand (C>A on the coding strand, the complement: TRIP12 is on the minus strand). VCF-style: chr2-229777434-G-T. GRCh37 (hg19) VCF-style: chr2-230642150-G-T.
Other names: c.5329C>A, p.Gln1777Lys (NM_001284214.2, NM_001348315.2); c.5284C>A, p.Gln1762Lys (NM_001284215.2, NM_001348316.2); c.4375C>A, p.Gln1459Lys (NM_001284216.2); c.5269C>A, p.Gln1757Lys (NM_001348317.1, NM_001348318.2); c.5395C>A, p.Gln1799Lys (NM_001348319.1, NM_001348320.2); c.5398C>A, p.Gln1800Lys (NM_001348321.1); c.5410C>A, p.Gln1804Lys (NM_001348322.1, NM_001348324.2, NM_001348325.2 and 2 more transcripts); c.5413C>A, p.Gln1805Lys (NM_001348328.1, NM_001348329.2, NM_001348330.2); and 4 more; short protein forms Q1459K, Q1729K, Q1730K, Q1757K, Q1762K, Q1770K, Q1777K, Q1778K.
Identifiers: ClinVar variation 2575539 (VCV002575539.1), dbSNP rs2470273503, ClinGen allele CA350886572.